The following is an entry in ClinVar:

NM_014714.4(IFT140):c.903-2A>G

Genes: IFT140 (intraflagellar transport 140; minus strand), LOC105371046 (uncharacterized LOC105371046; plus strand). Cytogenetic location: 16p13.3.
Variant type: single nucleotide variant.
Coding change: c.903-2A>G on transcript NM_014714.4 (MANE Select); the canonical splice acceptor site of the intron before coding-DNA position 903, A replaced by G.
Molecular consequence: splice acceptor variant.
Genome position (GRCh38, 1-based): chr16:1,587,306, T>C on the plus strand (A>G on the coding strand, the complement: IFT140 is on the minus strand). VCF-style: chr16-1587306-T-C. GRCh37 (hg19) VCF-style: chr16-1637307-T-C.
Identifiers: ClinVar variation 5003184 (VCV005003184.1).
Genomic context (GRCh38, chr16:1,587,306, plus strand): 5'-AGCCAAACTTCTCATCTGGACTCAGTATATAATTCTCTCCTCGTTCTATGTCCCAGAATC[T>C]ACAACAGAAGAAAGCAAGCCCCATGGAGGGCCTGTGTTAGTGGCGTTTCCCTCTGAGGGG-3'

ClinVar aggregate classification (germline): Pathogenic (1 of 4 stars; one submission).

Conditions:
Retinitis pigmentosa 80 (RP80). Identifiers: MedGen C4540439, MONDO:0054708, OMIM 617781.

Submission:

OLLIN Analises Genomicas, OLLIN
Classification: Pathogenic for Retinitis pigmentosa 80. Last evaluated: 2026-08-06. Review status: criteria provided, single submitter. Criteria: ACMG Guidelines 2015 PMID 25741868. Collection method: clinical testing. Allele origin: germline. Inheritance: Autosomal recessive inheritance.
Comment: This variant, located at the canonical splicing site (splice acceptor), is absent from gnomAD and ClinVar and has not been identified in the literature. This variant is predicted to disrupt a canonical splice site, potentially leading to exon skipping, mRNA degradation via nonsense-mediated decay (NMD), or production of a truncated protein. Another pathogenic variant has been reported to result in the same amino acid substitution. According to the currently available evidence, this variant has been classified as pathogenic (PVS1, PS1_P, PM2_P).